The following is an entry in ClinVar:

NM_016169.4(SUFU):c.870C>G (p.Ser290Arg)

Gene: SUFU (SUFU negative regulator of hedgehog signaling; plus strand). Cytogenetic location: 10q24.32.
Variant type: single nucleotide variant.
Coding change: c.870C>G on transcript NM_016169.4 (MANE Select); coding-DNA position 870, C replaced by G.
Protein change: p.Ser290Arg; replaces serine 290 with arginine.
Molecular consequence: missense variant.
Genome position (GRCh38, 1-based): chr10:102,597,253, C>G. VCF-style: chr10-102597253-C-G. GRCh37 (hg19) VCF-style: chr10-104357010-C-G.
Other names: c.870C>G, p.Ser290Arg (NM_001178133.2); short protein forms S290R.
Identifiers: ClinVar variation 4843413 (VCV004843413.1).

ClinVar aggregate classification (germline): Uncertain significance (1 of 4 stars; one submission).

Conditions:
Hereditary cancer-predisposing syndrome. Also called: Neoplastic Syndromes, Hereditary; Tumor predisposition; Hereditary Cancer Syndrome; Hereditary neoplastic syndrome. Identifiers: Orphanet 140162, MedGen C0027672, MeSH D009386, MONDO:0015356.

Submission:

Ambry Genetics
Classification: Uncertain significance for Hereditary cancer-predisposing syndrome. Last evaluated: 2026-01-06. Review status: criteria provided, single submitter. Criteria: Ambry Variant Classification Scheme 2023. Collection method: clinical testing. Allele origin: germline.
Comment: The p.S290R variant (also known as c.870C>G), located in coding exon 7 of the SUFU gene, results from a C to G substitution at nucleotide position 870. The serine at codon 290 is replaced by arginine, an amino acid with dissimilar properties. This amino acid position is conserved. In addition, this alteration is predicted to be tolerated by in silico analysis. Based on the available evidence, the clinical significance of this variant remains unclear.